The following is an entry in ClinVar:

ClinVar aggregate classification (germline): Uncertain significance (1 of 4 stars; one submission).

Conditions:
Optic atrophy 12. Also called: Optic Atrophy Type 12 (OPA12). Identifiers: MedGen C5436534, MONDO:0033549, OMIM 618977.

Submission:

3billion
Classification: Uncertain significance for Optic atrophy 12. Last evaluated: 2023-02-23. Review status: criteria provided, single submitter. Criteria: ACMG Guidelines, 2015. Collection method: clinical testing. Allele origin: unknown. Affected: yes.
Comment: The variant is not observed in the gnomAD v2.1.1 dataset. Missense changes are a common disease-causing mechanism. In silico tool predictions suggest damaging effect of the variant on gene or gene product (REVEL: 0.76; 3Cnet: 0.16). A different missense change at the same codon (p.Ala338Thr) has been reported to be associated with AFG3L2 related disorder (PMID: 26633542). However the evidence of pathogenicity is insufficient at this time. Therefore, this variant is classified as VUS according to the recommendation of ACMG/AMP guideline.

Literature cited by the submitters: PubMed 26633542.

NM_006796.3(AFG3L2):c.1013C>A (p.Ala338Glu)

Gene: AFG3L2 (AFG3 like matrix AAA peptidase subunit 2; minus strand). Cytogenetic location: 18p11.21.
Variant type: single nucleotide variant.
Coding change: c.1013C>A on transcript NM_006796.3 (MANE Select); coding-DNA position 1013, C replaced by A.
Protein change: p.Ala338Glu; replaces alanine 338 with glutamic acid.
Molecular consequence: missense variant.
Genome position (GRCh38, 1-based): chr18:12,358,683, G>T on the plus strand (C>A on the coding strand, the complement: AFG3L2 is on the minus strand). VCF-style: chr18-12358683-G-T. GRCh37 (hg19) VCF-style: chr18-12358682-G-T.
Other names: short protein forms A338E.
Identifiers: ClinVar variation 2444141 (VCV002444141.1), dbSNP rs2143191701, ClinGen allele CA401953388.